The following is an entry in ClinVar:

ClinVar aggregate classification (germline): Uncertain significance (1 of 4 stars; one submission).

Allele frequency attached by ClinVar (database versions not stated): gnomAD exomes below 0.00001.
gnomAD v4.1: 1 of 1,200,857 alleles (0.000083%); highest among the groups gnomAD compares: African/African-American, 0.0017%; no homozygotes.

Submission:

Labcorp Genetics (formerly Invitae), Labcorp
Classification: Uncertain significance. Last evaluated: 2022-11-08. Review status: criteria provided, single submitter. Criteria: Invitae Variant Classification Sherloc (09022015). Collection method: clinical testing. Allele origin: germline.
Comment: In summary, the available evidence is currently insufficient to determine the role of this variant in disease. Therefore, it has been classified as a Variant of Uncertain Significance. Advanced modeling of protein sequence and biophysical properties (such as structural, functional, and spatial information, amino acid conservation, physicochemical variation, residue mobility, and thermodynamic stability) performed at Invitae indicates that this missense variant is expected to disrupt PGK1 protein function. This variant has not been reported in the literature in individuals affected with PGK1-related conditions. This variant is not present in population databases (gnomAD no frequency). This sequence change replaces alanine, which is neutral and non-polar, with glycine, which is neutral and non-polar, at codon 377 of the PGK1 protein (p.Ala377Gly).

NM_000291.4(PGK1):c.1130C>G (p.Ala377Gly)

Gene: PGK1 (phosphoglycerate kinase 1; plus strand). Cytogenetic location: Xq21.1.
Variant type: single nucleotide variant.
Coding change: c.1130C>G on transcript NM_000291.4 (MANE Select); coding-DNA position 1130, C replaced by G.
Protein change: p.Ala377Gly; replaces alanine 377 with glycine.
Molecular consequence: missense variant.
Genome position (GRCh38, 1-based): chrX:78,125,342, C>G. VCF-style: chrX-78125342-C-G. GRCh37 (hg19) VCF-style: chrX-77380839-C-G.
Other names: short protein forms A377G.
Identifiers: ClinVar variation 1952259 (VCV001952259.5), dbSNP rs2522506819, ClinGen allele CA413718268.